The following is an entry in ClinVar:

NM_001174089.2(SLC4A11):c.919G>A (p.Val307Ile)

Gene: SLC4A11 (solute carrier family 4 member 11; minus strand). Cytogenetic location: 20p13.
Variant type: single nucleotide variant.
Coding change: c.919G>A on transcript NM_001174089.2 (MANE Select); coding-DNA position 919, G replaced by A.
Protein change: p.Val307Ile; replaces valine 307 with isoleucine.
Molecular consequence: missense variant. On other transcripts: non-coding transcript variant (1).
Genome position (GRCh38, 1-based): chr20:3,231,359, C>T on the plus strand (G>A on the coding strand, the complement: SLC4A11 is on the minus strand). VCF-style: chr20-3231359-C-T. GRCh37 (hg19) VCF-style: chr20-3212005-C-T.
Other names: c.1048G>A, p.Val350Ile (NM_001174090.2); c.919G>A, p.Val307Ile (NM_001363745.2); c.967G>A, p.Val323Ile (NM_032034.4); short protein forms V307I, V323I, V350I.
Identifiers: ClinVar variation 1309616 (VCV001309616.2), dbSNP rs2122557383, ClinGen allele CA408090524.

ClinVar aggregate classification (germline): Uncertain significance (1 of 4 stars; one submission).

Submission:

GeneDx
Classification: Uncertain significance. Last evaluated: 2019-11-02. Review status: criteria provided, single submitter. Criteria: GeneDx Variant Classification Process June 2021. Collection method: clinical testing. Allele origin: germline. Affected: yes.
Comment: Not observed in large population cohorts (Lek et al., 2016); In silico analysis, which includes protein predictors and evolutionary conservation, supports that this variant does not alter protein structure/function; Has not been previously published as pathogenic or benign to our knowledge